The following is an entry in ClinVar:

NM_015425.6(POLR1A):c.3983A>G (p.Gln1328Arg)

Gene: POLR1A (RNA polymerase I subunit A; minus strand). Cytogenetic location: 2p11.2.
Variant type: single nucleotide variant.
Coding change: c.3983A>G on transcript NM_015425.6 (MANE Select); coding-DNA position 3983, A replaced by G.
Protein change: p.Gln1328Arg; replaces glutamine 1328 with arginine.
Molecular consequence: missense variant.
Genome position (GRCh38, 1-based): chr2:86,038,751, T>C on the plus strand (A>G on the coding strand, the complement: POLR1A is on the minus strand). VCF-style: chr2-86038751-T-C. GRCh37 (hg19) VCF-style: chr2-86265874-T-C.
Other names: short protein forms Q1328R.
Identifiers: ClinVar variation 1913541 (VCV001913541.5), dbSNP rs780046747, ClinGen allele CA1745628.
Genomic context (GRCh38, chr2:86,038,751, plus strand): 5'-AGCCCTGACCTTGTTTCCATGAAGCGCAGGATGTCCTCGGGTCTCAGGCACTTCTCCTGC[T>C]GGTAATATGCATGTGGCAGGAACTGAAACCGCAGCTGGTACACCTGGAATTTGTTCTGTT-3'
Protein context (NP_056240.2, residues 1318-1338): RFQFLPHAYY[Gln1328Arg]QEKCLRPEDI

ClinVar aggregate classification (germline): Uncertain significance (1 of 4 stars; one submission).

Allele frequency attached by ClinVar (database versions not stated): ExAC 0.00001; gnomAD 0.00001; gnomAD exomes 0.00001; TOPMed 0.00001.
gnomAD v4.1: 16 of 1,613,812 alleles (0.00099%); highest among the groups gnomAD compares: Admixed American, 0.005%; no homozygotes.

Submission:

Labcorp Genetics (formerly Invitae), Labcorp
Classification: Uncertain significance. Last evaluated: 2022-04-06. Review status: criteria provided, single submitter. Criteria: Invitae Variant Classification Sherloc (09022015). Collection method: clinical testing. Allele origin: germline.
Comment: In summary, the available evidence is currently insufficient to determine the role of this variant in disease. Therefore, it has been classified as a Variant of Uncertain Significance. Algorithms developed to predict the effect of missense changes on protein structure and function are either unavailable or do not agree on the potential impact of this missense change (SIFT: "Not Available"; PolyPhen-2: "Benign"; Align-GVGD: "Not Available"). This variant has not been reported in the literature in individuals affected with POLR1A-related conditions. This variant is present in population databases (rs780046747, gnomAD 0.006%). This sequence change replaces glutamine, which is neutral and polar, with arginine, which is basic and polar, at codon 1328 of the POLR1A protein (p.Gln1328Arg).